The following is an entry in ClinVar:

ClinVar aggregate classification (germline): Benign (1 of 4 stars; one submission).

Conditions:
Autosomal dominant optic atrophy classic form (OPA1). Also called: Optic Atrophy Type 1; KJER-TYPE OPTIC ATROPHY; OPTIC ATROPHY, JUVENILE. Identifiers: Orphanet 98673, MedGen C0338508, MONDO:0008134, OMIM 165500.

Allele frequency attached by ClinVar (database versions not stated): gnomAD 0.00661 and 0.00689; TOPMed 0.00671; 1000 Genomes Project 0.00958; 1000 Genomes Project 30x 0.00984.

Submission:

Illumina Laboratory Services, Illumina
Classification: Benign for Autosomal dominant optic atrophy classic form. Last evaluated: 2018-01-12. Review status: criteria provided, single submitter. Criteria: ICSL Variant Classification Criteria 13 December 2019. Collection method: clinical testing. Allele origin: germline.
Comment: This variant was observed in the ICSL laboratory as part of a predisposition screen in an ostensibly healthy population. It had not been previously curated by ICSL or reported in the Human Gene Mutation Database (HGMD: prior to June 1st, 2018), and was therefore a candidate for classification through an automated scoring system. Utilizing variant allele frequency, disease prevalence and penetrance estimates, and inheritance mode, an automated score was calculated to assess if this variant is too frequent to cause the disease. Based on the score and internal cut-off values, a variant classified as benign is not then subjected to further curation. The score for this variant resulted in a classification of benign for this disease.

NM_130837.3(OPA1):c.*623G>A

Gene: OPA1 (OPA1 mitochondrial dynamin like GTPase; plus strand). Cytogenetic location: 3q29.
Variant type: single nucleotide variant.
Coding change: c.*623G>A on transcript NM_130837.3 (MANE Select); 623 bases downstream of the stop codon, G replaced by A.
Molecular consequence: 3 prime UTR variant.
Genome position (GRCh38, 1-based): chr3:193,695,223, G>A. VCF-style: chr3-193695223-G-A. GRCh37 (hg19) VCF-style: chr3-193413012-G-A.
Other names: c.*623G>A (NM_001354663.2, NM_001354664.2, NM_015560.3 and 6 more transcripts).
Identifiers: ClinVar variation 344496 (VCV000344496.5), dbSNP rs146468889, ClinGen allele CA10615446.